The following is an entry in ClinVar:

NM_025137.4(SPG11):c.15A>T (p.Glu5Asp)

Gene: SPG11 (SPG11 vesicle trafficking associated, spatacsin; minus strand). Cytogenetic location: 15q21.1.
Variant type: single nucleotide variant.
Coding change: c.15A>T on transcript NM_025137.4 (MANE Select); coding-DNA position 15, A replaced by T.
Protein change: p.Glu5Asp; replaces glutamic acid 5 with aspartic acid.
Molecular consequence: missense variant.
Genome position (GRCh38, 1-based): chr15:44,663,633, T>A on the plus strand (A>T on the coding strand, the complement: SPG11 is on the minus strand). VCF-style: chr15-44663633-T-A. GRCh37 (hg19) VCF-style: chr15-44955831-T-A.
Other names: c.15A>T, p.Glu5Asp (NM_001160227.2); short protein forms E5D.
Identifiers: ClinVar variation 1344075 (VCV001344075.5), dbSNP rs1444959753, ClinGen allele CA392238934.
Genomic context (GRCh38, chr15:44,663,633, plus strand): 5'-AACCCGCCCCATGGCCGCGGTGCCCCAGCTACCGCCGGCGGAAGCAGCACTCGCGACCCC[T>A]TCCTCTGCAGCCATCTTGGCCCGGCGGTTACTTCCGGTCACTTTCGCCGGAACCTGACTG-3'
Protein context (NP_079413.3, residues 1-15): MAAE[Glu5Asp]GVASAASAGG

ClinVar aggregate classification (germline): Uncertain significance. Review status: criteria provided, multiple submitters, no conflicts (2 of 4 stars). 2 submissions from 2 submitters: Uncertain significance (2). Last evaluated 2022-10-26.

Conditions:
Hereditary spastic paraplegia. Also called: Familial spastic paraparesis. Identifiers: Orphanet 685, MedGen C0037773, MONDO:0019064. Disease mechanism: loss of function.
Hereditary spastic paraplegia 11. Also called: Spastic Paraplegia 11; Nakamura Osame syndrome; Autosomal recessive hereditary spastic paraplegia, mental impairment, and thin corpus callosum; SPASTIC PARAPLEGIA, AUTOSOMAL RECESSIVE, COMPLICATED, WITH THIN CORPUS CALLOSUM; SPASTIC PARAPLEGIA, AUTOSOMAL RECESSIVE, WITH MENTAL IMPAIRMENT AND THIN CORPUS CALLOSUM; Spastic paraplegia, mental retardation and thin corpus callosum. Identifiers: Orphanet 2822, MedGen C1858479, MONDO:0011445, OMIM 604360.

Allele frequency attached by ClinVar (database versions not stated): TOPMed below 0.00001; gnomAD 0.00001.
gnomAD v4.1: 35 of 1,595,302 alleles (0.0022%); highest among the groups gnomAD compares: Non-Finnish European, 0.0027%; no homozygotes.

Submissions (2):

Labcorp Genetics (formerly Invitae), Labcorp
Classification: Uncertain significance for Hereditary spastic paraplegia 11. Last evaluated: 2022-10-26. Review status: criteria provided, single submitter. Criteria: Invitae Variant Classification Sherloc (09022015). Collection method: clinical testing. Allele origin: germline.
Comment: This sequence change replaces glutamic acid, which is acidic and polar, with aspartic acid, which is acidic and polar, at codon 5 of the SPG11 protein (p.Glu5Asp). This variant is not present in population databases (gnomAD no frequency). This variant has not been reported in the literature in individuals affected with SPG11-related conditions. ClinVar contains an entry for this variant (Variation ID: 1344075). Algorithms developed to predict the effect of missense changes on protein structure and function are either unavailable or do not agree on the potential impact of this missense change (SIFT: "Tolerated"; PolyPhen-2: "Not Available"; Align-GVGD: "Class C0"). In summary, the available evidence is currently insufficient to determine the role of this variant in disease. Therefore, it has been classified as a Variant of Uncertain Significance.

Genome Diagnostics Laboratory, The Hospital for Sick Children
Classification: Uncertain significance for Hereditary spastic paraplegia. Last evaluated: 2021-03-05. Review status: criteria provided, single submitter. Criteria: ACMG Guidelines, 2015. Collection method: clinical testing. Allele origin: germline. Affected: yes.